The following is an entry in ClinVar:

ClinVar aggregate classification (germline): Uncertain significance. Review status: criteria provided, multiple submitters, no conflicts (2 of 4 stars). 2 submissions from 2 submitters: Uncertain significance (2). Last evaluated 2025-11-29.

Conditions:
Familial melanoma. Also called: Hereditary melanoma; Hereditary cutaneous melanoma. Identifiers: Orphanet 618, MedGen C1512419, MONDO:0018961.
Hereditary cancer-predisposing syndrome. Also called: Hereditary Cancer Syndrome; Tumor predisposition; Neoplastic Syndromes, Hereditary; Hereditary neoplastic syndrome. Identifiers: Orphanet 140162, MedGen C0027672, MeSH D009386, MONDO:0015356.

Allele frequency attached by ClinVar (database versions not stated): gnomAD exomes below 0.00001; ExAC 0.00001.
gnomAD v4.1: 1 of 1,614,044 alleles (0.000062%); highest among the groups gnomAD compares: Non-Finnish European, 0.000085%; no homozygotes.

Submissions (2):

Ambry Genetics
Classification: Uncertain significance for Hereditary cancer-predisposing syndrome. Last evaluated: 2025-11-29. Review status: criteria provided, single submitter. Criteria: Ambry Variant Classification Scheme 2023. Collection method: clinical testing. Allele origin: germline.
Comment: The p.E265K variant (also known as c.793G>A), located in coding exon 6 of the CDK4 gene, results from a G to A substitution at nucleotide position 793. The glutamic acid at codon 265 is replaced by lysine, an amino acid with similar properties. This amino acid position is not well conserved in available vertebrate species. In addition, this alteration is predicted to be tolerated by in silico analysis. Since supporting evidence is limited at this time, the clinical significance of this alteration remains unclear.

Labcorp Genetics (formerly Invitae), Labcorp
Classification: Uncertain significance for Familial melanoma. Last evaluated: 2024-06-23. Review status: criteria provided, single submitter. Criteria: Invitae Variant Classification Sherloc (09022015). Collection method: clinical testing. Allele origin: germline.
Comment: This sequence change replaces glutamic acid, which is acidic and polar, with lysine, which is basic and polar, at codon 265 of the CDK4 protein (p.Glu265Lys). This variant is present in population databases (rs769226197, gnomAD 0.0009%). This variant has not been reported in the literature in individuals affected with CDK4-related conditions. ClinVar contains an entry for this variant (Variation ID: 863013). Advanced modeling of protein sequence and biophysical properties (such as structural, functional, and spatial information, amino acid conservation, physicochemical variation, residue mobility, and thermodynamic stability) performed at Invitae indicates that this missense variant is not expected to disrupt CDK4 protein function with a negative predictive value of 95%. In summary, the available evidence is currently insufficient to determine the role of this variant in disease. Therefore, it has been classified as a Variant of Uncertain Significance.

NM_000075.4(CDK4):c.793G>A (p.Glu265Lys)

Genes: TSPAN31 (tetraspanin 31; plus strand), CDK4 (cyclin dependent kinase 4; minus strand). Cytogenetic location: 12q14.1.
Variant type: single nucleotide variant.
Coding change: c.793G>A on transcript NM_000075.4 (MANE Select); coding-DNA position 793, G replaced by A.
Protein change: p.Glu265Lys; replaces glutamic acid 265 with lysine.
Molecular consequence: missense variant. On other transcripts: 3 prime UTR variant (3).
Genome position (GRCh38, 1-based): chr12:57,749,208, C>T on the plus strand (G>A on the coding strand, the complement: CDK4 is on the minus strand). VCF-style: chr12-57749208-C-T. GRCh37 (hg19) VCF-style: chr12-58142991-C-T.
Other names: c.*1918C>T (NM_001330168.2, NM_001330169.2, NM_005981.5); short protein forms E265K.
Identifiers: ClinVar variation 863013 (VCV000863013.11), dbSNP rs769226197, ClinGen allele CA6657686.